The following is an entry in ClinVar:

NC_000011.9:g.(?_61731556)_(61732604_?)dup

Genes: BEST1 (bestrophin 1; plus strand), FTH1 (ferritin heavy chain 1; minus strand). Cytogenetic location: 11q12.3.
Variant type: Duplication.
Identifiers: ClinVar variation 1003753 (VCV001003753.1).

ClinVar aggregate classification (germline): Uncertain significance (1 of 4 stars; one submission).

Submission:

Labcorp Genetics (formerly Invitae), Labcorp
Classification: Uncertain significance. Last evaluated: 2020-10-01. Review status: criteria provided, single submitter. Criteria: Invitae Variant Classification Sherloc (09022015). Collection method: clinical testing. Allele origin: germline.
Comment: This variant results in a copy number gain of the genomic region encompassing exon 11 of the BEST1 gene. The 5' boundary is likely confined to intron 11. The 3' end of this event is unknown as it extends beyond the assayed region for this gene and therefore may encompass additional genes. As the precise location of this event is unknown, it may be in tandem or it may be located elsewhere in the genome. This variant has not been reported in the literature in individuals with BEST1-related conditions. In summary, the available evidence is currently insufficient to determine the role of this variant in disease. Therefore, it has been classified as a Variant of Uncertain Significance.